The following is an entry in ClinVar:

NM_017654.4(SAMD9):c.3941A>G (p.Gln1314Arg)

Gene: SAMD9 (sterile alpha motif domain containing 9; minus strand). Cytogenetic location: 7q21.2.
Variant type: single nucleotide variant.
Coding change: c.3941A>G on transcript NM_017654.4 (MANE Select); coding-DNA position 3941, A replaced by G.
Protein change: p.Gln1314Arg; replaces glutamine 1314 with arginine.
Molecular consequence: missense variant.
Genome position (GRCh38, 1-based): chr7:93,102,157, T>C on the plus strand (A>G on the coding strand, the complement: SAMD9 is on the minus strand). VCF-style: chr7-93102157-T-C. GRCh37 (hg19) VCF-style: chr7-92731470-T-C.
Other names: c.3941A>G, p.Gln1314Arg (NM_001193307.2); short protein forms Q1314R.
Identifiers: ClinVar variation 3791961 (VCV003791961.1).

ClinVar aggregate classification (germline): Uncertain significance (1 of 4 stars; one submission).

Conditions:
Inborn genetic diseases. Identifiers: MedGen C0950123, MeSH D030342.

Submission:

Ambry Genetics
Classification: Uncertain significance for Inborn genetic diseases. Last evaluated: 2025-01-01. Review status: criteria provided, single submitter. Criteria: Ambry Variant Classification Scheme 2023. Collection method: clinical testing. Allele origin: germline.
Comment: The p.Q1314R variant (also known as c.3941A>G), located in coding exon 1 of the SAMD9 gene, results from an A to G substitution at nucleotide position 3941. The glutamine at codon 1314 is replaced by arginine, an amino acid with highly similar properties. This amino acid position is conserved. In addition, this alteration is predicted to be tolerated by in silico analysis. Based on the available evidence, the clinical significance of this variant remains unclear.